The following is an entry in ClinVar:

ClinVar aggregate classification (germline): Benign. Review status: criteria provided, multiple submitters, no conflicts (2 of 4 stars). 3 submissions from 3 submitters: Benign (3). Last evaluated 2018-06-14.

Conditions:
Pyruvate dehydrogenase E3-binding protein deficiency (PDHXD). Also called: E3-Binding Protein (Component X) Deficiency; LACTIC ACIDEMIA DUE TO DEFECT IN LIPOYL-CONTAINING COMPONENT X OF THE PYRUVATE DEHYDROGENASE COMPLEX; Lacticacidemia due to PDX1 deficiency; PYRUVATE HYDROGENASE E3-BINDING PROTEIN DEFICIENCY. Identifiers: Orphanet 255182, MedGen C1855553, MONDO:0009503, OMIM 245349.

Allele frequency attached by ClinVar (database versions not stated): gnomAD 0.19050 and 0.19609; 1000 Genomes Project 0.19269; TOPMed 0.19934; 1000 Genomes Project 30x 0.20066.
gnomAD v4.1: 194,513 of 1,545,654 alleles (13%); highest among the groups gnomAD compares: African/African-American, 39%; 15,383 homozygotes.

Submissions (3):

GeneDx
Classification: Benign. Last evaluated: 2018-06-14. Review status: criteria provided, single submitter. Criteria: GeneDx Variant Classification (06012015). Collection method: clinical testing. Allele origin: germline. Affected: yes.
Comment: This variant is considered likely benign or benign based on one or more of the following criteria: it is a conservative change, it occurs at a poorly conserved position in the protein, it is predicted to be benign by multiple in silico algorithms, and/or has population frequency not consistent with disease.

Illumina Laboratory Services, Illumina
Classification: Benign for Pyruvate dehydrogenase E3-binding protein deficiency. Last evaluated: 2018-01-13. Review status: criteria provided, single submitter. Criteria: ICSL Variant Classification Criteria 13 December 2019. Collection method: clinical testing. Allele origin: germline.
Comment: This variant was observed in the ICSL laboratory as part of a predisposition screen in an ostensibly healthy population. It had not been previously curated by ICSL or reported in the Human Gene Mutation Database (HGMD: prior to June 1st, 2018), and was therefore a candidate for classification through an automated scoring system. Utilizing variant allele frequency, disease prevalence and penetrance estimates, and inheritance mode, an automated score was calculated to assess if this variant is too frequent to cause the disease. Based on the score and internal cut-off values, a variant classified as benign is not then subjected to further curation. The score for this variant resulted in a classification of benign for this disease.

Breakthrough Genomics
Classification: Benign. Review status: criteria provided, single submitter. Criteria: ACMG Guidelines, 2015. Collection method: not provided. Allele origin: germline. Inheritance: Unknown mechanism. Affected: yes.

NM_003477.2(PDHX):c.-505G>A

Genes: APIP (APAF1 interacting protein; minus strand), PDHX (pyruvate dehydrogenase complex component X; plus strand), LOC130005547 (ATAC-STARR-seq lymphoblastoid silent region 3253; plus strand). Cytogenetic location: 11p13.
Variant type: single nucleotide variant.
Coding change: c.-505G>A on transcript NM_003477.2; 505 bases upstream of the start codon, G replaced by A.
Molecular consequence: intron variant (on NM_015957.4).
Genome position (GRCh38, 1-based): chr11:34,916,151, G>A. VCF-style: chr11-34916151-G-A. GRCh37 (hg19) VCF-style: chr11-34937698-G-A.
Other names: c.57+77C>T (NM_015957.4).
Identifiers: ClinVar variation 304444 (VCV000304444.9), dbSNP rs16926448, ClinGen allele CA10634708.
Genomic context (GRCh38, chr11:34,916,151, plus strand): 5'-GGTAGCGAACGGCCAGGCCCGAAACCCCGCCCCGCAGCTAAACGCCCGGCCCGCTACCCT[G>A]CGCCCAGCTCCAGCCGCCGGGTCCCGCCTGGGCCTCTCCTCCTGGGAATACCGGGCACCG-3'